The following is an entry in ClinVar:

NM_000153.4(GALC):c.1376A>G (p.His459Arg)

Gene: GALC (galactosylceramidase; minus strand). Cytogenetic location: 14q31.3.
Variant type: single nucleotide variant.
Coding change: c.1376A>G on transcript NM_000153.4 (MANE Select); coding-DNA position 1376, A replaced by G.
Protein change: p.His459Arg; replaces histidine 459 with arginine.
Molecular consequence: missense variant.
Genome position (GRCh38, 1-based): chr14:87,947,841, T>C on the plus strand (A>G on the coding strand, the complement: GALC is on the minus strand). VCF-style: chr14-87947841-T-C. GRCh37 (hg19) VCF-style: chr14-88414185-T-C.
Other names: c.1307A>G, p.His436Arg (NM_001201401.2); c.1298A>G, p.His433Arg (NM_001201402.2); short protein forms H459R, H433R, H436R.
Identifiers: ClinVar variation 314749 (VCV000314749.8), dbSNP rs755193670, ClinGen allele CA7297025.
Genomic context (GRCh38, chr14:87,947,841, plus strand): 5'-AGCGGGTAGCTGCCTTTGCGACCAGTGGTGAGAGTGGTGAGTGTGAACAGCTCATCTTCA[T>C]GCAGGCTCAGTGTGAAACTGCCATCGCTGTCAAGGAGCTGAAAAAGAAGACACTACTGTA-3'
Protein context (NP_000144.2, residues 449-469): DSDGSFTLSL[His459Arg]EDELFTLTTL

ClinVar aggregate classification (germline): Uncertain significance. Review status: criteria provided, multiple submitters, no conflicts (2 of 4 stars). 4 submissions from 4 submitters: Uncertain significance (3). 1 of the submissions does not count toward it. Last evaluated 2025-05-17.

Conditions:
Galactosylceramide beta-galactosidase deficiency. Also called: GALACTOCEREBROSIDASE DEFICIENCY; GALC DEFICIENCY; GLOBOID CELL LEUKOENCEPHALOPATHY; Leukodystrophy, Globoid Cell; Krabbe Disease. Identifiers: Orphanet 487, MedGen C0023521, MONDO:0009499, OMIM 245200.
Inborn genetic diseases. Identifiers: MedGen C0950123, MeSH D030342.

Allele frequency attached by ClinVar (database versions not stated): gnomAD exomes below 0.00001; ExAC 0.00001.
gnomAD v4.1: 3 of 1,612,672 alleles (0.00019%); highest among the groups gnomAD compares: Non-Finnish European, 0.00017%; no homozygotes.

Submissions (4):

Ambry Genetics
Classification: Uncertain significance for Inborn genetic diseases. Last evaluated: 2025-05-17. Review status: criteria provided, single submitter. Criteria: Ambry Variant Classification Scheme 2023. Collection method: clinical testing. Allele origin: germline.

Labcorp Genetics (formerly Invitae), Labcorp
Classification: Uncertain significance for Galactosylceramide beta-galactosidase deficiency. Last evaluated: 2022-04-21. Review status: criteria provided, single submitter. Criteria: Invitae Variant Classification Sherloc (09022015). Collection method: clinical testing. Allele origin: germline.
Comment: This sequence change replaces histidine, which is basic and polar, with arginine, which is basic and polar, at codon 459 of the GALC protein (p.His459Arg). This variant is present in population databases (rs755193670, gnomAD 0.0009%). This variant has not been reported in the literature in individuals affected with GALC-related conditions. ClinVar contains an entry for this variant (Variation ID: 314749). Advanced modeling of protein sequence and biophysical properties (such as structural, functional, and spatial information, amino acid conservation, physicochemical variation, residue mobility, and thermodynamic stability) performed at Invitae indicates that this missense variant is not expected to disrupt GALC protein function. In summary, the available evidence is currently insufficient to determine the role of this variant in disease. Therefore, it has been classified as a Variant of Uncertain Significance.

Illumina Laboratory Services, Illumina
Classification: Uncertain significance for Galactosylceramide beta-galactosidase deficiency. Last evaluated: 2018-01-13. Review status: criteria provided, single submitter. Criteria: ICSL Variant Classification Criteria 13 December 2019. Collection method: clinical testing. Allele origin: germline.

Counsyl
Classification: Uncertain significance for Galactosylceramide beta-galactosidase deficiency. Last evaluated: 2017-06-14. Review status: no assertion criteria provided. Collection method: clinical testing. Allele origin: unknown. Not counted in ClinVar's aggregate classification.